The following is an entry in ClinVar:

NM_000136.3(FANCC):c.1330-4C>G

Genes: AOPEP (aminopeptidase O (putative); plus strand), FANCC (FA complementation group C; minus strand). Cytogenetic location: 9q22.32.
Variant type: single nucleotide variant.
Coding change: c.1330-4C>G on transcript NM_000136.3 (MANE Select); 4 bases into the intron before coding-DNA position 1330, C replaced by G.
Molecular consequence: intron variant.
Genome position (GRCh38, 1-based): chr9:95,107,273, G>C on the plus strand (C>G on the coding strand, the complement: FANCC is on the minus strand). VCF-style: chr9-95107273-G-C. GRCh37 (hg19) VCF-style: chr9-97869555-G-C.
Other names: c.1330-4C>G (NM_001243743.2).
Identifiers: ClinVar variation 379287 (VCV000379287.14), dbSNP rs762141353, ClinGen allele CA5137343.

ClinVar aggregate classification (germline): Likely benign. Review status: criteria provided, multiple submitters, no conflicts (2 of 4 stars). 4 submissions from 4 submitters: Likely benign (4). Last evaluated 2024-09-30.

Conditions:
Hereditary cancer-predisposing syndrome. Also called: Tumor predisposition; Neoplastic Syndromes, Hereditary; Hereditary neoplastic syndrome; Hereditary Cancer Syndrome. Identifiers: Orphanet 140162, MedGen C0027672, MeSH D009386, MONDO:0015356.
Fanconi anemia (FA). Also called: Fanconi's anemia. Identifiers: Orphanet 84, MedGen C0015625, MeSH D005199, MONDO:0019391.

Allele frequency attached by ClinVar (database versions not stated): gnomAD exomes below 0.00001 and 0.00001; ExAC 0.00001.
gnomAD v4.1: 8 of 1,613,288 alleles (0.0005%); highest among the groups gnomAD compares: Non-Finnish European, 0.00017%; no homozygotes.

Submissions (4):

Blueprint Genetics
Classification: Likely benign. Last evaluated: 2024-09-30. Review status: criteria provided, single submitter. Criteria: ACMG Guidelines, 2015. Collection method: clinical testing. Allele origin: germline.

Labcorp Genetics (formerly Invitae), Labcorp
Classification: Likely benign for Fanconi anemia. Last evaluated: 2024-03-17. Review status: criteria provided, single submitter. Criteria: Invitae Variant Classification Sherloc (09022015). Collection method: clinical testing. Allele origin: germline.

Ambry Genetics
Classification: Likely benign for Hereditary cancer-predisposing syndrome. Last evaluated: 2022-12-09. Review status: criteria provided, single submitter. Criteria: Ambry Variant Classification Scheme 2023. Collection method: clinical testing. Allele origin: germline.

GeneDx
Classification: Likely benign. Last evaluated: 2016-08-30. Review status: criteria provided, single submitter. Criteria: GeneDx Variant Classification (06012015). Collection method: clinical testing. Allele origin: germline. Affected: yes.
Comment: This variant is considered likely benign or benign based on one or more of the following criteria: it is a conservative change, it occurs at a poorly conserved position in the protein, it is predicted to be benign by multiple in silico algorithms, and/or has population frequency not consistent with disease.